The following is an entry in ClinVar:

ClinVar aggregate classification (germline): Uncertain significance (1 of 4 stars; one submission).

Submission:

GeneDx
Classification: Uncertain significance. Last evaluated: 2019-12-18. Review status: criteria provided, single submitter. Criteria: GeneDx Variant Classification Process June 2021. Collection method: clinical testing. Allele origin: germline. Affected: yes.
Comment: Not observed in large population cohorts (Lek et al., 2016); In silico analysis, which includes protein predictors and evolutionary conservation, supports a deleterious effect; Observed in heterozygous state in 2 sibs with autism and speech apraxia; both were also compound heterozygotes for variants described by authors as deleterious in the WWOX gene (Peter et al., 2019); This variant is associated with the following publications: (PMID: 30949922)

NM_004247.4(EFTUD2):c.56C>T (p.Ser19Phe)

Gene: EFTUD2 (elongation factor Tu GTP binding domain containing 2; minus strand). Cytogenetic location: 17q21.31.
Variant type: single nucleotide variant.
Coding change: c.56C>T on transcript NM_004247.4 (MANE Select); coding-DNA position 56, C replaced by T.
Protein change: p.Ser19Phe; replaces serine 19 with phenylalanine.
Molecular consequence: missense variant. On other transcripts: intron variant (1).
Genome position (GRCh38, 1-based): chr17:44,894,466, G>A on the plus strand (C>T on the coding strand, the complement: EFTUD2 is on the minus strand). VCF-style: chr17-44894466-G-A. GRCh37 (hg19) VCF-style: chr17-42971834-G-A.
Other names: c.56C>T, p.Ser19Phe (NM_001258353.2, NM_001258354.2); c.-1+4903C>T (NM_001142605.2); short protein forms S19F.
Identifiers: ClinVar variation 1311004 (VCV001311004.2), dbSNP rs974332362, ClinGen allele CA291010963.